The following is an entry in ClinVar:

NM_000051.4(ATM):c.8631G>T (p.Leu2877Phe)

Genes: ATM (ATM serine/threonine kinase; plus strand), C11orf65 (chromosome 11 open reading frame 65; minus strand). Cytogenetic location: 11q22.3.
Variant type: single nucleotide variant.
Coding change: c.8631G>T on transcript NM_000051.4 (MANE Select); coding-DNA position 8631, G replaced by T.
Protein change: p.Leu2877Phe; replaces leucine 2877 with phenylalanine.
Molecular consequence: missense variant. On other transcripts: intron variant (2).
Genome position (GRCh38, 1-based): chr11:108,347,325, G>T. VCF-style: chr11-108347325-G-T. GRCh37 (hg19) VCF-style: chr11-108218052-G-T.
Other names: c.8631G>T, p.Leu2877Phe (NM_001351834.2); c.641-38254C>A (NM_001330368.2); c.695-12033C>A (NM_001351110.2); short protein forms L2877F.
Identifiers: ClinVar variation 3641823 (VCV003641823.2).
Genomic context (GRCh38, chr11:108,347,325, plus strand): 5'-TCTTTTTTCTCCAGTTGGTTACATACTTGGACTTGGTGATAGACATGTACAGAATATCTT[G>T]ATAAATGAGCAGTCAGCAGAACTTGTACATATAGATCTAGGTAAGTAATAAAATCTATGT-3'
Protein context (NP_000042.3, residues 2867-2887): GLGDRHVQNI[Leu2877Phe]INEQSAELVH

ClinVar aggregate classification (germline): Uncertain significance (1 of 4 stars; one submission).

Conditions:
Ataxia-telangiectasia syndrome (AT). Also called: Ataxia-telangiectasia, complementation group D; AT, COMPLEMENTATION GROUP C; ATAXIA-TELANGIECTASIA, COMPLEMENTATION GROUP A; ATAXIA-TELANGIECTASIA, FRESNO VARIANT; Ataxia-telangiectasia; Ataxia-telangiectasia, complementation group E. Identifiers: Orphanet 100, MedGen C0004135, MONDO:0008840, OMIM 208900.

Submission:

Labcorp Genetics (formerly Invitae), Labcorp
Classification: Uncertain significance for Ataxia-telangiectasia syndrome. Last evaluated: 2024-02-18. Review status: criteria provided, single submitter. Criteria: Invitae Variant Classification Sherloc (09022015). Collection method: clinical testing. Allele origin: germline.
Comment: This sequence change replaces leucine, which is neutral and non-polar, with phenylalanine, which is neutral and non-polar, at codon 2877 of the ATM protein (p.Leu2877Phe). This variant is not present in population databases (gnomAD no frequency). This variant has not been reported in the literature in individuals affected with ATM-related conditions. An algorithm developed to predict the effect of missense changes on protein structure and function (PolyPhen-2) suggests that this variant is likely to be disruptive. In summary, the available evidence is currently insufficient to determine the role of this variant in disease. Therefore, it has been classified as a Variant of Uncertain Significance.